The following is an entry in ClinVar:

ClinVar aggregate classification (germline): Benign. Review status: criteria provided, multiple submitters, no conflicts (2 of 4 stars). 7 submissions from 7 submitters: Benign (6). 1 of the submissions does not count toward it. Last evaluated 2026-02-01.

Conditions:
Spastic paraplegia. Identifiers: MedGen C0037772, HP:0001258.
Hereditary spastic paraplegia 33. Also called: SPASTIC PARAPLEGIA 33, AUTOSOMAL DOMINANT. Identifiers: MedGen C1853251, MONDO:0012448, OMIM 610244.

Allele frequency attached by ClinVar (database versions not stated): 1000 Genomes Project 30x 0.01312; 1000 Genomes Project 0.01478; gnomAD 0.01901; TOPMed 0.01987; ESP Exome Variant Server 0.02091.

Submissions (7):

Labcorp Genetics (formerly Invitae), Labcorp
Classification: Benign for Spastic paraplegia. Last evaluated: 2026-02-01. Review status: criteria provided, single submitter. Criteria: Invitae Variant Classification Sherloc (09022015). Collection method: clinical testing. Allele origin: germline.

Genome-Nilou Lab
Classification: Benign for Hereditary spastic paraplegia 33. Last evaluated: 2021-12-05. Review status: criteria provided, single submitter. Criteria: ACMG Guidelines, 2015. Collection method: clinical testing. Allele origin: germline. Affected: no.

Illumina Laboratory Services, Illumina
Classification: Benign for Hereditary spastic paraplegia 33. Last evaluated: 2018-01-12. Review status: criteria provided, single submitter. Criteria: ICSL Variant Classification Criteria 13 December 2019. Collection method: clinical testing. Allele origin: germline.
Comment: This variant was observed in the ICSL laboratory as part of a predisposition screen in an ostensibly healthy population. It had not been previously curated by ICSL or reported in the Human Gene Mutation Database (HGMD: prior to June 1st, 2018), and was therefore a candidate for classification through an automated scoring system. Utilizing variant allele frequency, disease prevalence and penetrance estimates, and inheritance mode, an automated score was calculated to assess if this variant is too frequent to cause the disease. Based on the score and internal cut-off values, a variant classified as benign is not then subjected to further curation. The score for this variant resulted in a classification of benign for this disease.

Mayo Clinic Laboratories, Mayo Clinic
Classification: Benign. Last evaluated: 2016-05-23. Review status: criteria provided, single submitter. Criteria: ACMG Guidelines, 2015. Collection method: clinical testing. Allele origin: germline. Observed: 26 variant alleles.

Eurofins Ntd Llc (ga)
Classification: Benign. Last evaluated: 2016-05-02. Review status: criteria provided, single submitter. Criteria: EGL Classification Definitions 2015. Collection method: clinical testing. Allele origin: germline. Observed: 1 variant allele, 1 heterozygote.

Breakthrough Genomics
Classification: Benign. Review status: criteria provided, single submitter. Criteria: ACMG Guidelines, 2015. Collection method: not provided. Allele origin: germline. Inheritance: Autosomal dominant inheritance. Affected: yes.

Genetic Services Laboratory, University of Chicago
Classification: Likely benign for AllHighlyPenetrant. Review status: no assertion criteria provided. Collection method: clinical testing. Allele origin: germline. Inheritance: Autosomal dominant inheritance. Not counted in ClinVar's aggregate classification.
Comment: Likely benign based on allele frequency in 1000 Genomes Project or ESP global frequency and its presence in a patient with a rare or unrelated disease phenotype. NOT Sanger confirmed.

NM_001385875.1(ZFYVE27):c.378G>A (p.Lys126=)

Gene: ZFYVE27 (zinc finger FYVE-type containing 27; plus strand). Cytogenetic location: 10q24.2.
Variant type: single nucleotide variant.
Coding change: c.378G>A on transcript NM_001385875.1 (MANE Select); coding-DNA position 378, G replaced by A.
Protein change: p.Lys126=; no amino-acid change (lysine 126 retained).
Molecular consequence: synonymous variant. On other transcripts: non-coding transcript variant (15), intron variant (9).
Genome position (GRCh38, 1-based): chr10:97,744,838, G>A. VCF-style: chr10-97744838-G-A. GRCh37 (hg19) VCF-style: chr10-99504595-G-A.
Other names: p.Lys126=; c.378G>A, p.Lys126= (NM_001002261.4, NM_001002262.4, NM_001385871.1 and 10 more transcripts); c.282G>A, p.Lys94= (NM_001174119.2, NM_001385885.1, NM_001385887.1 and 1 more transcripts); c.84G>A, p.Lys28= (NM_001174121.2, NM_001385915.1); c.417G>A, p.Lys139= (NM_001385876.1); c.342G>A, p.Lys114= (NM_001385881.1); c.174G>A, p.Lys58= (NM_001385890.1, NM_001385891.1, NM_001385892.1 and 6 more transcripts); c.141G>A, p.Lys47= (NM_001385899.1, NM_001385900.1, NM_001385903.1 and 3 more transcripts); and 3 more.
Identifiers: ClinVar variation 130786 (VCV000130786.26), dbSNP rs75060573, ClinGen allele CA156068.